The following is an entry in ClinVar:

NM_004484.4(GPC3):c.864T>C (p.Gly288=)

Gene: GPC3 (glypican 3; minus strand). Cytogenetic location: Xq26.2.
Variant type: single nucleotide variant.
Coding change: c.864T>C on transcript NM_004484.4 (MANE Select); coding-DNA position 864, T replaced by C.
Protein change: p.Gly288=; no amino-acid change (glycine 288 retained).
Molecular consequence: synonymous variant.
Genome position (GRCh38, 1-based): chrX:133,753,650, A>G on the plus strand (T>C on the coding strand, the complement: GPC3 is on the minus strand). VCF-style: chrX-133753650-A-G. GRCh37 (hg19) VCF-style: chrX-132887677-A-G.
Other names: c.864T>C, p.Gly288= (NM_001164617.2); c.816T>C, p.Gly272= (NM_001164618.2); c.702T>C, p.Gly234= (NM_001164619.2).
Identifiers: ClinVar variation 4085803 (VCV004085803.8).

ClinVar aggregate classification (germline): Likely benign (1 of 4 stars; one submission).

Submission:

CeGaT Center for Human Genetics Tuebingen
Classification: Likely benign. Last evaluated: 2025-08-01. Review status: criteria provided, single submitter. Criteria: CeGaT Center For Human Genetics Tuebingen Variant Classification Criteria Version 2. Collection method: clinical testing. Allele origin: germline. Affected: yes. Observed: 1 variant allele.
Comment: GPC3: PM2:Supporting, BP4, BP7